The following is an entry in ClinVar:

ClinVar aggregate classification (germline): Conflicting classifications of pathogenicity. Review status: criteria provided, conflicting classifications (1 of 4 stars). 3 submissions from 3 submitters: Uncertain significance (2); Likely benign (1). Last evaluated 2026-01-18.

Conditions:
Seckel syndrome 1 (SCKL1). Also called: MICROCEPHALIC PRIMORDIAL DWARFISM I. Identifiers: Orphanet 808, MedGen C4551474, MONDO:0008869, OMIM 210600.

Allele frequency attached by ClinVar (database versions not stated): ExAC 0.00003; TOPMed 0.00003; gnomAD 0.00004; gnomAD exomes 0.00005.
gnomAD v4.1: 96 of 1,613,734 alleles (0.0059%); highest among the groups gnomAD compares: Non-Finnish European, 0.007%; 1 homozygote.

Submissions (3):

Labcorp Genetics (formerly Invitae), Labcorp
Classification: Likely benign. Last evaluated: 2026-01-18. Review status: criteria provided, single submitter. Criteria: Invitae Variant Classification Sherloc (09022015). Collection method: clinical testing. Allele origin: germline.

GeneDx
Classification: Uncertain significance. Last evaluated: 2020-01-30. Review status: criteria provided, single submitter. Criteria: GeneDx Variant Classification Process June 2021. Collection method: clinical testing. Allele origin: germline. Affected: yes.
Comment: Not observed at a significant frequency in large population cohorts (Lek et al., 2016); In silico analysis, which includes protein predictors and evolutionary conservation, supports that this variant does not alter protein structure/function; Has not been previously published as pathogenic or benign to our knowledge

Illumina Laboratory Services, Illumina
Classification: Uncertain significance for Seckel syndrome 1. Last evaluated: 2018-01-12. Review status: criteria provided, single submitter. Criteria: ICSL Variant Classification Criteria 13 December 2019. Collection method: clinical testing. Allele origin: germline.

NM_001184.4(ATR):c.7471G>A (p.Val2491Ile)

Gene: ATR (ATR checkpoint kinase; minus strand). Cytogenetic location: 3q23.
Variant type: single nucleotide variant.
Coding change: c.7471G>A on transcript NM_001184.4 (MANE Select); coding-DNA position 7471, G replaced by A.
Protein change: p.Val2491Ile; replaces valine 2491 with isoleucine.
Molecular consequence: missense variant.
Genome position (GRCh38, 1-based): chr3:142,458,990, C>T on the plus strand (G>A on the coding strand, the complement: ATR is on the minus strand). VCF-style: chr3-142458990-C-T. GRCh37 (hg19) VCF-style: chr3-142177832-C-T.
Other names: c.7279G>A, p.Val2427Ile (NM_001354579.2); short protein forms V2491I, V2427I.
Identifiers: ClinVar variation 343582 (VCV000343582.15), dbSNP rs556313656, ClinGen allele CA2649130.